The following is an entry in ClinVar:

NM_001142864.4(PIEZO1):c.5744G>A (p.Arg1915His)

Gene: PIEZO1 (piezo type mechanosensitive ion channel component 1 (Er blood group); minus strand). Cytogenetic location: 16q24.3.
Variant type: single nucleotide variant.
Coding change: c.5744G>A on transcript NM_001142864.4 (MANE Select); coding-DNA position 5744, G replaced by A.
Protein change: p.Arg1915His; replaces arginine 1915 with histidine.
Molecular consequence: missense variant.
Genome position (GRCh38, 1-based): chr16:88,720,673, C>T on the plus strand (G>A on the coding strand, the complement: PIEZO1 is on the minus strand). VCF-style: chr16-88720673-C-T. GRCh37 (hg19) VCF-style: chr16-88787081-C-T.
Other names: c.4286G>A, p.Arg1429His (NM_014745.1); c.5744G>A (NM_001142864.2); short protein forms R1915H, R1429H.
Identifiers: ClinVar variation 2193865 (VCV002193865.11), dbSNP rs755722952, ClinGen allele CA8231794.
Genomic context (GRCh38, chr16:88,720,673, plus strand): 5'-CACAGGGACAGGCAGAAGCCCTGCAGCCGCCGCCCGGCCGCCCTTACTCTTCCTCCAGAG[C>T]GGCTTGGCCTCTTCTCTCTCCCCGTGGGGGCCTCTTTCTCTTCCTCCCCCTCTTCTTCCT-3'
Protein context (NP_001136336.2, residues 1905-1925): APTGREKRPS[Arg1915His]SGGRVRAAGR

ClinVar aggregate classification (germline): Conflicting classifications of pathogenicity. Review status: criteria provided, conflicting classifications (1 of 4 stars). 6 submissions from 6 submitters: Uncertain significance (5); Benign (1). Last evaluated 2025-12-09.

Conditions:
Lymphatic malformation 6 (LMPHM6). Also called: GENERALIZED LYMPHATIC DYSPLASIA OF FOTIOU; Lymphedema, hereditary, III; PIEZO1-related generalized lymphatic dysplasia with non-immune hydrops fetalis. Identifiers: Orphanet 568062, MedGen C4225184, MONDO:0014797, OMIM 616843.
Inborn genetic diseases. Identifiers: MedGen C0950123, MeSH D030342.

Allele frequency attached by ClinVar (database versions not stated): TOPMed 0.00006; gnomAD 0.00007; ExAC 0.00012.
gnomAD v4.1: 207 of 1,546,598 alleles (0.013%); highest among the groups gnomAD compares: Non-Finnish European, 0.017%; no homozygotes.

Submissions (6):

Women's Health and Genetics/Laboratory Corporation of America, LabCorp
Classification: Uncertain significance. Last evaluated: 2025-12-09. Review status: criteria provided, single submitter. Criteria: LabCorp Variant Classification Summary - May 2015. Collection method: clinical testing. Allele origin: germline.
Comment: Variant summary: PIEZO1 c.5744G>A (p.Arg1915His) results in a non-conservative amino acid change in the encoded protein sequence. Algorithms developed to predict the effect of missense changes on protein structure and function are either unavailable or do not agree on the potential impact of this missense change. The variant allele was found at a frequency of 3.3e-05 in 150374 control chromosomes. The available data on variant occurrences in the general population are insufficient to allow any conclusion about variant significance. To our knowledge, no occurrence of c.5744G>A in individuals affected with PIEZO1-related conditions and no experimental evidence demonstrating its impact on protein function have been reported. ClinVar contains an entry for this variant (Variation ID: 2193865). Based on the evidence outlined above, the variant was classified as uncertain significance.

Clinical Genomics Laboratory, Washington University in St. Louis
Classification: Uncertain significance for Lymphatic malformation 6. Last evaluated: 2024-11-19. Review status: criteria provided, single submitter. Criteria: ACMG Guidelines, 2015. Collection method: clinical testing. Allele origin: germline.
Comment: A PIEZO1 c.5744G>A (p.Arg1915His) variant was identified at a near heterozygous allelic fraction of 49.3%, a frequency which may be consistent with germline origin. This variant, to our knowledge, has not been reported in the medical literature. It is observed on 207/1,546,598 alleles in the general population (gnomAD v.4.1.0). Computational predictors suggest that the variant does not impact PIEZO1 function. Due to limited information, and based on ACMG/AMP guidelines for variant interpretation (Richards S et al., PMID: 25741868), the clinical significance of this variant is uncertain at this time.

Revvity Omics, Revvity
Classification: Uncertain significance. Last evaluated: 2024-08-29. Review status: criteria provided, single submitter. Criteria: ACMG Guidelines, 2015. Collection method: clinical testing. Allele origin: germline.

ARUP Laboratories, Molecular Genetics and Genomics, ARUP Laboratories
Classification: Uncertain significance. Last evaluated: 2024-05-23. Review status: criteria provided, single submitter. Criteria: ARUP Molecular Germline Variant Investigation Process 2024. Collection method: clinical testing. Allele origin: germline.

Labcorp Genetics (formerly Invitae), Labcorp
Classification: Benign. Last evaluated: 2022-05-23. Review status: criteria provided, single submitter. Criteria: Invitae Variant Classification Sherloc (09022015). Collection method: clinical testing. Allele origin: germline.

Ambry Genetics
Classification: Uncertain significance for Inborn genetic diseases. Last evaluated: 2021-09-15. Review status: criteria provided, single submitter. Criteria: Ambry Variant Classification Scheme 2023. Collection method: clinical testing. Allele origin: germline.